The following is an entry in ClinVar:

ClinVar aggregate classification (germline): Benign. Review status: criteria provided, multiple submitters, no conflicts (2 of 4 stars). 2 submissions from 2 submitters: Benign (2). Last evaluated 2018-06-14.

Allele frequency attached by ClinVar (database versions not stated): 1000 Genomes Project 30x 0.01686; 1000 Genomes Project 0.01717; gnomAD exomes 0.03343; gnomAD 0.03410 and 0.03533; ExAC 0.03424; TOPMed 0.03632; ESP Exome Variant Server 0.03760.
gnomAD v4.1: 69,909 of 1,611,046 alleles (4.3%); highest among the groups gnomAD compares: Non-Finnish European, 5.1%; 1,739 homozygotes.

Submissions (2):

GeneDx
Classification: Benign. Last evaluated: 2018-06-14. Review status: criteria provided, single submitter. Criteria: GeneDx Variant Classification (06012015). Collection method: clinical testing. Allele origin: germline. Affected: yes.
Comment: This variant is considered likely benign or benign based on one or more of the following criteria: it is a conservative change, it occurs at a poorly conserved position in the protein, it is predicted to be benign by multiple in silico algorithms, and/or has population frequency not consistent with disease.

Breakthrough Genomics
Classification: Benign. Review status: criteria provided, single submitter. Criteria: ACMG Guidelines, 2015. Collection method: not provided. Allele origin: germline. Inheritance: Autosomal recessive inheritance. Affected: yes.

NM_020297.4(ABCC9):c.2643+44C>A

Gene: ABCC9 (ATP binding cassette subfamily C member 9; minus strand). Cytogenetic location: 12p12.1.
Variant type: single nucleotide variant.
Coding change: c.2643+44C>A on transcript NM_020297.4 (MANE Select); 44 bases into the intron after coding-DNA position 2643, C replaced by A.
Molecular consequence: intron variant.
Genome position (GRCh38, 1-based): chr12:21,852,324, G>T on the plus strand (C>A on the coding strand, the complement: ABCC9 is on the minus strand). VCF-style: chr12-21852324-G-T. GRCh37 (hg19) VCF-style: chr12-22005258-G-T.
Other names: c.1776+44C>A (NM_001377274.1); c.2643+44C>A (NM_005691.4, NM_001377273.1).
Identifiers: ClinVar variation 674058 (VCV000674058.2), dbSNP rs117514003, ClinGen allele CA6481317.